The following is an entry in ClinVar:

ClinVar aggregate classification (germline): Likely pathogenic (1 of 4 stars; one submission).

Conditions:
Intellectual developmental disorder, X-linked 1. Also called: Atkin Flaitz Patil Smith syndrome; MENTAL RETARDATION, X-LINKED 18; MENTAL RETARDATION, X-LINKED 78; Intellectual disability, X-linked 1. Identifiers: Orphanet 777, MedGen C2931498, MONDO:0010656, OMIM 309530.

Submission:

3billion
Classification: Likely pathogenic for Intellectual developmental disorder, X-linked 1. Last evaluated: 2025-05-20. Review status: criteria provided, single submitter. Criteria: ACMG Guidelines, 2015. Collection method: clinical testing. Allele origin: germline. Affected: yes.
Comment: The variant is not observed in the gnomAD v4.1.0 dataset. Predicted Consequence/Location: Frameshift variant: previously reported to alter splicing and result in a loss of normal protein function through nonsense-mediated decay (NMD) or protein truncation. Multiple pathogenic variants are reported in the predicted truncated region Frameshift variant: previously reported to alter splicing and result in a loss of normal protein function through nonsense-mediated decay (NMD) or protein truncation. Multiple pathogenic variants are reported in the predicted truncated region Therefore, this variant is classified as Likely pathogenic according to the recommendation of ACMG/AMP guideline.

NM_001111125.3(IQSEC2):c.4126del (p.Gln1376fs)

Gene: IQSEC2 (IQ motif and Sec7 domain ArfGEF 2; minus strand). Cytogenetic location: Xp11.22.
Variant type: Deletion.
Coding change: c.4126del on transcript NM_001111125.3 (MANE Select); coding-DNA position 4126, one base deleted (C; older notation c.4126delC).
Protein change: p.Gln1376fs; shifts the reading frame from glutamine 1376.
Molecular consequence: frameshift variant. On other transcripts: 3 prime UTR variant (4), intron variant (2).
Genome position (GRCh38, 1-based): chrX:53,234,560, G deleted on the plus strand (C on the coding strand, the reverse complement: IQSEC2 is on the minus strand); the first of 6 consecutive G bases (chrX:53,234,560-53,234,565); deleting any one gives the same sequence. VCF-style (leftmost placement, unchanged base first): chrX-53234559-TG-T. GRCh37 (hg19) VCF-style: chrX-53263741-TG-T.
Other names: c.*611del (NM_001410736.1, NM_001441093.1, NM_001441094.1 and 1 more transcripts); c.3451+1762del (NM_001441092.1); c.2740+1762del (NM_001441095.1); short protein forms Q1376fs.
Identifiers: ClinVar variation 4854043 (VCV004854043.1).